The following is an entry in ClinVar:

ClinVar aggregate classification (germline): Uncertain significance. Review status: criteria provided, multiple submitters, no conflicts (2 of 4 stars). 2 submissions from 2 submitters: Uncertain significance (2). Last evaluated 2026-02-16.

Allele frequency attached by ClinVar (database versions not stated): gnomAD exomes 0.00002; ExAC 0.00002.

Submissions (2):

Women's Health and Genetics/Laboratory Corporation of America, LabCorp
Classification: Uncertain significance. Last evaluated: 2026-02-16. Review status: criteria provided, single submitter. Criteria: LabCorp Variant Classification Summary - May 2015. Collection method: clinical testing. Allele origin: germline.
Comment: Variant summary: AEBP1 c.937G>A (p.Asp313Asn) results in a conservative amino acid change in the encoded protein sequence. Algorithms developed to predict the effect of missense changes on protein structure and function all suggest that this variant is likely to be tolerated. The variant allele was found at a frequency of 8.8e-06 in 226992 control chromosomes. The available data on variant occurrences in the general population are insufficient to allow any conclusion about variant significance. To our knowledge, no occurrence of c.937G>A in individuals affected with AEBP1-related conditions and no experimental evidence demonstrating its impact on protein function have been reported. ClinVar contains an entry for this variant (Variation ID: 1967412). Based on the evidence outlined above, the variant was classified as uncertain significance.

Labcorp Genetics (formerly Invitae), Labcorp
Classification: Uncertain significance. Last evaluated: 2022-02-22. Review status: criteria provided, single submitter. Criteria: Invitae Variant Classification Sherloc (09022015). Collection method: clinical testing. Allele origin: germline.
Comment: This variant has not been reported in the literature in individuals affected with AEBP1-related conditions. This sequence change replaces aspartic acid, which is acidic and polar, with asparagine, which is neutral and polar, at codon 313 of the AEBP1 protein (p.Asp313Asn). The frequency data for this variant in the population databases is considered unreliable, as metrics indicate poor data quality at this position in the gnomAD database. Algorithms developed to predict the effect of missense changes on protein structure and function output the following: SIFT: "Deleterious"; PolyPhen-2: "Benign"; Align-GVGD: "Class C0". The asparagine amino acid residue is found in multiple mammalian species, which suggests that this missense change does not adversely affect protein function. In summary, the available evidence is currently insufficient to determine the role of this variant in disease. Therefore, it has been classified as a Variant of Uncertain Significance.

NM_001129.5(AEBP1):c.937G>A (p.Asp313Asn)

Gene: AEBP1 (AE binding protein 1; plus strand). Cytogenetic location: 7p13.
Variant type: single nucleotide variant.
Coding change: c.937G>A on transcript NM_001129.5 (MANE Select); coding-DNA position 937, G replaced by A.
Protein change: p.Asp313Asn; replaces aspartic acid 313 with asparagine.
Molecular consequence: missense variant.
Genome position (GRCh38, 1-based): chr7:44,108,081, G>A. VCF-style: chr7-44108081-G-A. GRCh37 (hg19) VCF-style: chr7-44147680-G-A.
Other names: short protein forms D313N.
Identifiers: ClinVar variation 1967412 (VCV001967412.5), dbSNP rs763301549, ClinGen allele CA4237679.
Genomic context (GRCh38, chr7:44,108,081, plus strand): 5'-CCTCTGCTGCCCCCGCTGCCCCCTGACTATGGTGATGGTTACGTGATCCCCAACTACGAT[G>A]ACAGTGAGTACCCAGCACCCCAGAGTCTGAGGGACATAGGCAGGTGGGGGTCGGGGCTGG-3'
Protein context (NP_001120.3, residues 303-323): GDGYVIPNYD[Asp313Asn]MDYYFGPPPP